The following is an entry in ClinVar:

ClinVar aggregate classification (germline): Uncertain significance. Review status: criteria provided, multiple submitters, no conflicts (2 of 4 stars). 2 submissions from 2 submitters: Uncertain significance (2). Last evaluated 2024-11-18.

Conditions:
Inborn genetic diseases. Identifiers: MedGen C0950123, MeSH D030342.

Allele frequency attached by ClinVar (database versions not stated): gnomAD 0.00001.
gnomAD v4.1: 6 of 1,550,372 alleles (0.00039%); highest among the groups gnomAD compares: African/African-American, 0.0041%; no homozygotes.

Submissions (2):

Labcorp Genetics (formerly Invitae), Labcorp
Classification: Uncertain significance. Last evaluated: 2024-11-18. Review status: criteria provided, single submitter. Criteria: Invitae Variant Classification Sherloc (09022015). Collection method: clinical testing. Allele origin: germline.
Comment: This sequence change replaces asparagine, which is neutral and polar, with threonine, which is neutral and polar, at codon 1127 of the EYS protein (p.Asn1127Thr). This variant is present in population databases (no rsID available, gnomAD 0.01%). This variant has not been reported in the literature in individuals affected with EYS-related conditions. ClinVar contains an entry for this variant (Variation ID: 1934413). Invitae Evidence Modeling of protein sequence and biophysical properties (such as structural, functional, and spatial information, amino acid conservation, physicochemical variation, residue mobility, and thermodynamic stability) has been performed for this missense variant. However, the output from this modeling did not meet the statistical confidence thresholds required to predict the impact of this variant on EYS protein function. In summary, the available evidence is currently insufficient to determine the role of this variant in disease. Therefore, it has been classified as a Variant of Uncertain Significance.

Ambry Genetics
Classification: Uncertain significance for Inborn genetic diseases. Last evaluated: 2021-09-16. Review status: criteria provided, single submitter. Criteria: Ambry Variant Classification Scheme 2023. Collection method: clinical testing. Allele origin: germline.

NM_001142800.2(EYS):c.3380A>C (p.Asn1127Thr)

Gene: EYS (EGF-like photoreceptor maintenance factor; minus strand). Cytogenetic location: 6q12.
Variant type: single nucleotide variant.
Coding change: c.3380A>C on transcript NM_001142800.2 (MANE Select); coding-DNA position 3380, A replaced by C.
Protein change: p.Asn1127Thr; replaces asparagine 1127 with threonine.
Molecular consequence: missense variant.
Genome position (GRCh38, 1-based): chr6:64,813,441, T>G on the plus strand (A>C on the coding strand, the complement: EYS is on the minus strand). VCF-style: chr6-64813441-T-G. GRCh37 (hg19) VCF-style: chr6-65523334-T-G.
Other names: c.3380A>C, p.Asn1127Thr (NM_001292009.2); short protein forms N1127T.
Identifiers: ClinVar variation 1934413 (VCV001934413.5), dbSNP rs779510375, ClinGen allele CA140368131.
Genomic context (GRCh38, chr6:64,813,441, plus strand): 5'-CAGTCAAAAGTATGTCCAGGCCCATCAACACAGATCCCTCCATTAAGACAGATGACTGAA[T>G]TAAGTTCAGGCTCAGCACAATTATCAATGCTTTTTTCACAGTATGCACCAGTGTATCCAC-3'
Protein context (NP_001136272.1, residues 1117-1137): SIDNCAEPEL[Asn1127Thr]SVICLNGGIC